The following is an entry in ClinVar:

ClinVar aggregate classification (germline): Likely benign (1 of 4 stars; one submission).

Allele frequency attached by ClinVar (database versions not stated): gnomAD exomes 0.00001; ExAC 0.00002.
gnomAD v4.1: 12 of 1,614,060 alleles (0.00074%); highest among the groups gnomAD compares: African/African-American, 0.0013%; no homozygotes.

Submission:

CeGaT Center for Human Genetics Tuebingen
Classification: Likely benign. Last evaluated: 2022-10-01. Review status: criteria provided, single submitter. Criteria: CeGaT Center For Human Genetics Tuebingen Variant Classification Criteria Version 2. Collection method: clinical testing. Allele origin: germline. Affected: yes. Observed: 1 variant allele.
Comment: PUM1: BP4, BP7

NM_001020658.2(PUM1):c.2976C>T (p.Ile992=)

Gene: PUM1 (pumilio RNA binding family member 1; minus strand). Cytogenetic location: 1p35.2.
Variant type: single nucleotide variant.
Coding change: c.2976C>T on transcript NM_001020658.2 (MANE Select); coding-DNA position 2976, C replaced by T.
Protein change: p.Ile992=; no amino-acid change (isoleucine 992 retained).
Molecular consequence: synonymous variant.
Genome position (GRCh38, 1-based): chr1:30,945,364, G>A on the plus strand (C>T on the coding strand, the complement: PUM1 is on the minus strand). VCF-style: chr1-30945364-G-A. GRCh37 (hg19) VCF-style: chr1-31418211-G-A.
Other names: c.2970C>T, p.Ile990= (NM_014676.3).
Identifiers: ClinVar variation 2638594 (VCV002638594.24), dbSNP rs749674497, ClinGen allele CA728842.